The following is an entry in ClinVar:

NM_000440.3(PDE6A):c.965T>A (p.Ile322Asn)

Gene: PDE6A (phosphodiesterase 6A; minus strand). Cytogenetic location: 5q32.
Variant type: single nucleotide variant.
Coding change: c.965T>A on transcript NM_000440.3 (MANE Select); coding-DNA position 965, T replaced by A.
Protein change: p.Ile322Asn; replaces isoleucine 322 with asparagine.
Molecular consequence: missense variant.
Genome position (GRCh38, 1-based): chr5:149,914,976, A>T on the plus strand (T>A on the coding strand, the complement: PDE6A is on the minus strand). VCF-style: chr5-149914976-A-T. GRCh37 (hg19) VCF-style: chr5-149294539-A-T.
Other names: short protein forms I322N.
Identifiers: ClinVar variation 944014 (VCV000944014.9), dbSNP rs1286172705, ClinGen allele CA361699190.

ClinVar aggregate classification (germline): Uncertain significance (1 of 4 stars; one submission).

Allele frequency attached by ClinVar (database versions not stated): gnomAD exomes below 0.00001; gnomAD 0.00001; TOPMed 0.00001.
gnomAD v4.1: 4 of 1,605,920 alleles (0.00025%); highest among the groups gnomAD compares: Middle Eastern, 0.017%; no homozygotes.

Submission:

Labcorp Genetics (formerly Invitae), Labcorp
Classification: Uncertain significance. Last evaluated: 2022-02-24. Review status: criteria provided, single submitter. Criteria: Invitae Variant Classification Sherloc (09022015). Collection method: clinical testing. Allele origin: germline.
Comment: This variant is present in population databases (no rsID available, gnomAD 0.007%). In summary, the available evidence is currently insufficient to determine the role of this variant in disease. Therefore, it has been classified as a Variant of Uncertain Significance. Algorithms developed to predict the effect of missense changes on protein structure and function (SIFT, PolyPhen-2, Align-GVGD) all suggest that this variant is likely to be disruptive. ClinVar contains an entry for this variant (Variation ID: 944014). This variant has not been reported in the literature in individuals affected with PDE6A-related conditions. This sequence change replaces isoleucine, which is neutral and non-polar, with asparagine, which is neutral and polar, at codon 322 of the PDE6A protein (p.Ile322Asn).